The following is an entry in ClinVar:

ClinVar aggregate classification (germline): Uncertain significance (1 of 4 stars; one submission).

Conditions:
Nephronophthisis. Also called: Juvenile Nephronophthisis. Identifiers: Orphanet 655, MedGen C0687120, MONDO:0019005, HP:0000090.

Allele frequency attached by ClinVar (database versions not stated): gnomAD exomes 0.00001; ExAC 0.00002; TOPMed 0.00001.
gnomAD v4.1: 13 of 1,613,938 alleles (0.00081%); highest among the groups gnomAD compares: Non-Finnish European, 0.001%; no homozygotes.

Submission:

Labcorp Genetics (formerly Invitae), Labcorp
Classification: Uncertain significance for Nephronophthisis. Last evaluated: 2021-09-01. Review status: criteria provided, single submitter. Criteria: Invitae Variant Classification Sherloc (09022015). Collection method: clinical testing. Allele origin: germline.
Comment: This sequence change replaces alanine with threonine at codon 1117 of the NPHP4 protein (p.Ala1117Thr). The alanine residue is highly conserved and there is a small physicochemical difference between alanine and threonine. This variant is present in population databases (rs764488616, ExAC 0.003%). This variant has not been reported in the literature in individuals affected with NPHP4-related conditions. Algorithms developed to predict the effect of missense changes on protein structure and function are either unavailable or do not agree on the potential impact of this missense change (SIFT: "Deleterious"; PolyPhen-2: "Probably Damaging"; Align-GVGD: "Class C0"). In summary, the available evidence is currently insufficient to determine the role of this variant in disease. Therefore, it has been classified as a Variant of Uncertain Significance.

NM_015102.5(NPHP4):c.3349G>A (p.Ala1117Thr)

Gene: NPHP4 (nephrocystin 4; minus strand). Cytogenetic location: 1p36.31.
Variant type: single nucleotide variant.
Coding change: c.3349G>A on transcript NM_015102.5 (MANE Select); coding-DNA position 3349, G replaced by A.
Protein change: p.Ala1117Thr; replaces alanine 1117 with threonine.
Molecular consequence: missense variant. On other transcripts: non-coding transcript variant (1).
Genome position (GRCh38, 1-based): chr1:5,867,863, C>T on the plus strand (G>A on the coding strand, the complement: NPHP4 is on the minus strand). VCF-style: chr1-5867863-C-T. GRCh37 (hg19) VCF-style: chr1-5927923-C-T.
Other names: c.1810G>A, p.Ala604Thr (NM_001291593.2); c.1813G>A, p.Ala605Thr (NM_001291594.2); short protein forms A1117T, A604T, A605T.
Identifiers: ClinVar variation 1044605 (VCV001044605.6), dbSNP rs764488616, ClinGen allele CA553647.